The following is an entry in ClinVar:

NM_152564.5(VPS13B):c.9433A>G (p.Ile3145Val)

Gene: VPS13B (vacuolar protein sorting 13 homolog B; plus strand). Cytogenetic location: 8q22.2.
Variant type: single nucleotide variant.
Coding change: c.9433A>G on transcript NM_152564.5 (MANE Select); coding-DNA position 9433, A replaced by G.
Protein change: p.Ile3145Val; replaces isoleucine 3145 with valine.
Molecular consequence: missense variant.
Genome position (GRCh38, 1-based): chr8:99,832,471, A>G. VCF-style: chr8-99832471-A-G. GRCh37 (hg19) VCF-style: chr8-100844699-A-G.
Other names: c.9508A>G (NM_017890.3); c.9508A>G, p.Ile3170Val (NM_017890.5); c.9433A>G (NM_152564.4); short protein forms I3170V, I3145V.
Identifiers: ClinVar variation 1346289 (VCV001346289.6), dbSNP rs756197846, ClinGen allele CA4824713.
Genomic context (GRCh38, chr8:99,832,471, plus strand): 5'-GGTGGAGAGCAGCCTGCTATGAAATCCAGCTCCCTTCCTTGCTGGGACTTGATGCCTGAC[A>G]TCAGTCAGTCAGTACTGGATGCATCCCTGCTTCAGAAACAGATCATGCTGGGCTTTTCTC-3'
Protein context (NP_689777.3, residues 3135-3155): SLPCWDLMPD[Ile3145Val]SQSVLDASLL

ClinVar aggregate classification (germline): Uncertain significance. Review status: criteria provided, multiple submitters, no conflicts (2 of 4 stars). 3 submissions from 3 submitters: Uncertain significance (2). 1 of the submissions does not count toward it. Last evaluated 2025-04-09.

Conditions:
Cohen syndrome (COH1). Also called: Cutis verticis gyrata, retinitis pigmentosa, and sensorineural deafness; PEPPER SYNDROME. Identifiers: Orphanet 193, MedGen C0265223, MONDO:0008999, OMIM 216550.
Inborn genetic diseases. Identifiers: MedGen C0950123, MeSH D030342.
VPS13B-related disorder. Also called: VPS13B-related condition.

Allele frequency attached by ClinVar (database versions not stated): gnomAD exomes below 0.00001 and 0.00001; TOPMed below 0.00001; ExAC 0.00001; gnomAD 0.00001.
gnomAD v4.1: 6 of 1,611,696 alleles (0.00037%); highest among the groups gnomAD compares: African/African-American, 0.0013%; no homozygotes.

Submissions (3):

Ambry Genetics
Classification: Uncertain significance for Inborn genetic diseases. Last evaluated: 2025-04-09. Review status: criteria provided, single submitter. Criteria: Ambry Variant Classification Scheme 2023. Collection method: clinical testing. Allele origin: germline.

Labcorp Genetics (formerly Invitae), Labcorp
Classification: Uncertain significance for Cohen syndrome. Last evaluated: 2024-11-03. Review status: criteria provided, single submitter. Criteria: Invitae Variant Classification Sherloc (09022015). Collection method: clinical testing. Allele origin: germline.
Comment: This sequence change replaces isoleucine, which is neutral and non-polar, with valine, which is neutral and non-polar, at codon 3170 of the VPS13B protein (p.Ile3170Val). This variant is present in population databases (rs756197846, gnomAD 0.007%). This variant has not been reported in the literature in individuals affected with VPS13B-related conditions. ClinVar contains an entry for this variant (Variation ID: 1346289). Invitae Evidence Modeling of protein sequence and biophysical properties (such as structural, functional, and spatial information, amino acid conservation, physicochemical variation, residue mobility, and thermodynamic stability) indicates that this missense variant is not expected to disrupt VPS13B protein function with a negative predictive value of 80%. In summary, the available evidence is currently insufficient to determine the role of this variant in disease. Therefore, it has been classified as a Variant of Uncertain Significance.

PreventionGenetics, part of Exact Sciences
Classification: Uncertain significance for VPS13B-related condition. Last evaluated: 2024-09-04. Review status: no assertion criteria provided. Collection method: clinical testing. Allele origin: germline. Not counted in ClinVar's aggregate classification.
Comment: The VPS13B c.9433A>G variant is predicted to result in the amino acid substitution p.Ile3145Val. To our knowledge, this variant has not been reported in the literature. This variant is reported in 0.0062% of alleles in individuals of African descent in gnomAD. At this time, the clinical significance of this variant is uncertain due to the absence of conclusive functional and genetic evidence.